The following is an entry in ClinVar:

NM_024675.4(PALB2):c.1908G>C (p.Glu636Asp)

Gene: PALB2 (partner and localizer of BRCA2; minus strand). Cytogenetic location: 16p12.2.
Variant type: single nucleotide variant.
Coding change: c.1908G>C on transcript NM_024675.4 (MANE Select); coding-DNA position 1908, G replaced by C.
Protein change: p.Glu636Asp; replaces glutamic acid 636 with aspartic acid.
Molecular consequence: missense variant.
Genome position (GRCh38, 1-based): chr16:23,630,246, C>G on the plus strand (G>C on the coding strand, the complement: PALB2 is on the minus strand). VCF-style: chr16-23630246-C-G. GRCh37 (hg19) VCF-style: chr16-23641567-C-G.
Other names: short protein forms E636D.
Identifiers: ClinVar variation 530059 (VCV000530059.14), dbSNP rs1392612467, ClinGen allele CA395127551.
Genomic context (GRCh38, chr16:23,630,246, plus strand): 5'-TGGAAAAATACAGCTTCCCTCTTTAAGATGTCTCTCTCCAAACATTTTTGACTCAAAGGG[C>G]TCCACTGGTTTTTCTGAGCAGGACTTCACTTTTTCAAGCTTAAGAGGTCCAAAGTCTTCA-3'
Protein context (NP_078951.2, residues 626-646): KVKSCSEKPV[Glu636Asp]PFESKMFGER

ClinVar aggregate classification (germline): Uncertain significance. Review status: criteria provided, multiple submitters, no conflicts (2 of 4 stars). 2 submissions from 2 submitters: Uncertain significance (2). Last evaluated 2022-10-12.

Conditions:
Hereditary cancer-predisposing syndrome. Also called: Hereditary neoplastic syndrome; Neoplastic Syndromes, Hereditary; Hereditary Cancer Syndrome; Tumor predisposition. Identifiers: Orphanet 140162, MedGen C0027672, MeSH D009386, MONDO:0015356.
Familial cancer of breast. Also called: BREAST CANCER, FAMILIAL; Hereditary breast cancer; hereditary breast carcinoma. Identifiers: Orphanet 227535, MedGen C0346153, MONDO:0016419, OMIM 114480. Disease mechanism: loss of function.

Submissions (2):

Ambry Genetics
Classification: Uncertain significance for Hereditary cancer-predisposing syndrome. Last evaluated: 2022-10-12. Review status: criteria provided, single submitter. Criteria: Ambry Variant Classification Scheme 2023. Collection method: clinical testing. Allele origin: germline.
Comment: The p.E636D variant (also known as c.1908G>C), located in coding exon 5 of the PALB2 gene, results from a G to C substitution at nucleotide position 1908. The glutamic acid at codon 636 is replaced by aspartic acid, an amino acid with highly similar properties. This amino acid position is conserved. In addition, this alteration is predicted to be tolerated by in silico analysis. Since supporting evidence is limited at this time, the clinical significance of this alteration remains unclear.

Labcorp Genetics (formerly Invitae), Labcorp
Classification: Uncertain significance for Familial cancer of breast. Last evaluated: 2019-07-11. Review status: criteria provided, single submitter. Criteria: Invitae Variant Classification Sherloc (09022015). Collection method: clinical testing. Allele origin: germline.
Comment: This sequence change replaces glutamic acid with aspartic acid at codon 636 of the PALB2 protein (p.Glu636Asp). The glutamic acid residue is highly conserved and there is a small physicochemical difference between glutamic acid and aspartic acid. In summary, the available evidence is currently insufficient to determine the role of this variant in disease. Therefore, it has been classified as a Variant of Uncertain Significance. Algorithms developed to predict the effect of missense changes on protein structure and function are either unavailable or do not agree on the potential impact of this missense change (SIFT: "Deleterious"; PolyPhen-2: "Probably Damaging"; Align-GVGD: "Class C0"). This variant has not been reported in the literature in individuals with PALB2-related conditions. ClinVar contains an entry for this variant (Variation ID: 530059). This variant is not present in population databases (ExAC no frequency).